The following is an entry in ClinVar:

NM_201599.3(ZMYM3):c.2065G>A (p.Gly689Arg)

Gene: ZMYM3 (zinc finger MYM-type containing 3; minus strand). Cytogenetic location: Xq13.1.
Variant type: single nucleotide variant.
Coding change: c.2065G>A on transcript NM_201599.3 (MANE Select); coding-DNA position 2065, G replaced by A.
Protein change: p.Gly689Arg; replaces glycine 689 with arginine.
Molecular consequence: missense variant.
Genome position (GRCh38, 1-based): chrX:71,247,817, C>T on the plus strand (G>A on the coding strand, the complement: ZMYM3 is on the minus strand). VCF-style: chrX-71247817-C-T. GRCh37 (hg19) VCF-style: chrX-70467667-C-T.
Other names: c.2065G>A, p.Gly689Arg (NM_001171162.1, NM_005096.3); short protein forms G689R.
Identifiers: ClinVar variation 4812903 (VCV004812903.1).
Genomic context (GRCh38, chrX:71,247,817, plus strand): 5'-TGCTCTTACAGTCCTCACTGCAGAAGTCCCAGGTGCTGCCATCCAGTTGCTCGGTGACTC[C>T]GCGCTGGCAGGTCTGGGAGCAGTAAGTACAAGTGATACAGCACAAGCCCAGCTTCTTAGT-3'
Protein context (NP_963893.1, residues 679-699): CTYCSQTCQR[Gly689Arg]VTEQLDGSTW

ClinVar aggregate classification (germline): Uncertain significance (1 of 4 stars; one submission).

gnomAD v4.1: 10 of 1,209,828 alleles (0.00083%); highest among the groups gnomAD compares: Non-Finnish European, 0.0011%; no homozygotes.

Submission:

GeneDx
Classification: Uncertain significance. Last evaluated: 2025-09-02. Review status: criteria provided, single submitter. Criteria: GeneDx Variant Classification Process June 2021. Collection method: clinical testing. Allele origin: germline. Affected: yes.
Comment: In silico analysis supports that this missense variant has a deleterious effect on protein structure/function; Has not been previously published as pathogenic or benign to our knowledge